The following is an entry in ClinVar:

NM_001377.3(DYNC2H1):c.7149G>A (p.Thr2383=)

Gene: DYNC2H1 (dynein cytoplasmic 2 heavy chain 1; plus strand). Cytogenetic location: 11q22.3.
Variant type: single nucleotide variant.
Coding change: c.7149G>A on transcript NM_001377.3 (MANE Select); coding-DNA position 7149, G replaced by A.
Protein change: p.Thr2383=; no amino-acid change (threonine 2383 retained).
Molecular consequence: synonymous variant.
Genome position (GRCh38, 1-based): chr11:103,188,505, G>A. VCF-style: chr11-103188505-G-A. GRCh37 (hg19) VCF-style: chr11-103059234-G-A.
Other names: c.7149G>A (NM_001080463.1); c.7149G>A, p.Thr2383= (NM_001080463.2).
Identifiers: ClinVar variation 283128 (VCV000283128.49), dbSNP rs553516014, ClinGen allele CA6254173.
Genomic context (GRCh38, chr11:103,188,505, plus strand): 5'-GATTAGGAAATCTTAGATAAAAAACGTTTAAAATATATTTATTTTCAAATAGGTATTGAC[G>A]TATCAAGGATTTTATGATGAAAATTTGGAATGGGTTGGTCTAGAAAATATTCAAATTGTG-3'
Protein context (NP_001368.2, residues 2373-2393): TLVAFLQQVL[Thr2383=]YQGFYDENLE

ClinVar aggregate classification (germline): Conflicting classifications of pathogenicity. Review status: criteria provided, conflicting classifications (1 of 4 stars). 5 submissions from 5 submitters: Uncertain significance (1); Likely benign (3). 1 of the submissions does not count toward it. Last evaluated 2025-12-21.

Conditions:
DYNC2H1-related disorder. Also called: DYNC2H1-related disorders; DYNC2H1-related condition. Identifiers: MedGen CN378770.
Jeune thoracic dystrophy. Also called: Short-rib thoracic dysplasia; Jeune syndrome; Infantile thoracic dystrophy; Thoracic pelvic phalangeal dystrophy; Jeune's syndrome; Chondroectodermal dysplasia-like syndrome. Identifiers: Orphanet 474, MedGen C0265275, MONDO:0018770.

Allele frequency attached by ClinVar (database versions not stated): gnomAD 0.00003; TOPMed 0.00003; ExAC 0.00004.
gnomAD v4.1: 89 of 1,595,326 alleles (0.0056%); highest among the groups gnomAD compares: Non-Finnish European, 0.0072%; no homozygotes.

Submissions (5):

Labcorp Genetics (formerly Invitae), Labcorp
Classification: Likely benign for Jeune thoracic dystrophy. Last evaluated: 2025-12-21. Review status: criteria provided, single submitter. Criteria: Invitae Variant Classification Sherloc (09022015). Collection method: clinical testing. Allele origin: germline.

Blueprint Genetics
Classification: Likely benign. Last evaluated: 2024-07-17. Review status: criteria provided, single submitter. Criteria: ACMG Guidelines, 2015. Collection method: clinical testing. Allele origin: germline.

CeGaT Center for Human Genetics Tuebingen
Classification: Likely benign. Last evaluated: 2020-07-01. Review status: criteria provided, single submitter. Criteria: CeGaT Center For Human Genetics Tuebingen Variant Classification Criteria Version 2. Collection method: clinical testing. Allele origin: germline. Affected: yes. Observed: 1 variant allele.

Eurofins Ntd Llc (ga)
Classification: Uncertain significance. Last evaluated: 2015-09-28. Review status: criteria provided, single submitter. Criteria: EGL Classification Definitions 2015. Collection method: clinical testing. Allele origin: germline. Observed: 1 variant allele, 1 heterozygote.

PreventionGenetics, part of Exact Sciences
Classification: Likely benign for DYNC2H1-related condition. Last evaluated: 2019-03-06. Review status: no assertion criteria provided. Collection method: clinical testing. Allele origin: germline. Not counted in ClinVar's aggregate classification.
Comment: This variant is classified as likely benign based on ACMG/AMP sequence variant interpretation guidelines (Richards et al. 2015 PMID: 25741868, with internal and published modifications).